The following is an entry in ClinVar:

ClinVar aggregate classification (germline): Uncertain significance (1 of 4 stars; one submission).

Conditions:
Inclusion body myopathy with early-onset Paget disease with or without frontotemporal dementia 2 (IBMPFD2). Also called: MULTISYSTEM PROTEINOPATHY 2. Identifiers: MedGen C3809468, MONDO:0014178, OMIM 615422.

Allele frequency attached by ClinVar (database versions not stated): gnomAD exomes below 0.00001.

Submission:

Labcorp Genetics (formerly Invitae), Labcorp
Classification: Uncertain significance for Inclusion body myopathy with early-onset Paget disease with or without frontotemporal dementia 2. Last evaluated: 2021-09-29. Review status: criteria provided, single submitter. Criteria: Invitae Variant Classification Sherloc (09022015). Collection method: clinical testing. Allele origin: germline.
Comment: This sequence change replaces arginine with cysteine at codon 238 of the HNRNPA2B1 protein (p.Arg238Cys). The arginine residue is highly conserved and there is a large physicochemical difference between arginine and cysteine. This variant is not present in population databases (ExAC no frequency). This variant has not been reported in the literature in individuals affected with HNRNPA2B1-related conditions. Algorithms developed to predict the effect of missense changes on protein structure and function are either unavailable or do not agree on the potential impact of this missense change (SIFT: "Deleterious"; PolyPhen-2: "Not Available"; Align-GVGD: "Class C65"). In summary, the available evidence is currently insufficient to determine the role of this variant in disease. Therefore, it has been classified as a Variant of Uncertain Significance.

NM_002137.4(HNRNPA2B1):c.676C>T (p.Arg226Cys)

Gene: HNRNPA2B1 (heterogeneous nuclear ribonucleoprotein A2/B1; minus strand). Cytogenetic location: 7p15.2.
Variant type: single nucleotide variant.
Coding change: c.676C>T on transcript NM_002137.4 (MANE Select); coding-DNA position 676, C replaced by T.
Protein change: p.Arg226Cys; replaces arginine 226 with cysteine.
Molecular consequence: missense variant.
Genome position (GRCh38, 1-based): chr7:26,195,892, G>A on the plus strand (C>T on the coding strand, the complement: HNRNPA2B1 is on the minus strand). VCF-style: chr7-26195892-G-A. GRCh37 (hg19) VCF-style: chr7-26235512-G-A.
Other names: c.712C>T, p.Arg238Cys (NM_031243.4); short protein forms R226C, R238C.
Identifiers: ClinVar variation 1420980 (VCV001420980.6), dbSNP rs2128119204, ClinGen allele CA367077324.